The following is an entry in ClinVar:

NM_000368.5(TSC1):c.35C>T (p.Ala12Val)

Gene: TSC1 (TSC complex subunit 1; minus strand). Cytogenetic location: 9q34.13.
Variant type: single nucleotide variant.
Coding change: c.35C>T on transcript NM_000368.5 (MANE Select); coding-DNA position 35, C replaced by T.
Protein change: p.Ala12Val; replaces alanine 12 with valine.
Molecular consequence: missense variant. On other transcripts: 5 prime UTR variant (1).
Genome position (GRCh38, 1-based): chr9:132,928,838, G>A on the plus strand (C>T on the coding strand, the complement: TSC1 is on the minus strand). VCF-style: chr9-132928838-G-A. GRCh37 (hg19) VCF-style: chr9-135804225-G-A.
Other names: c.35C>T, p.Ala12Val (NM_001162426.2, NM_001162427.2); c.-225C>T (NM_001362177.2); short protein forms A12V.
Identifiers: ClinVar variation 1496384 (VCV001496384.8), dbSNP rs1588363595, ClinGen allele CA375375400.

ClinVar aggregate classification (germline): Uncertain significance (1 of 4 stars; one submission).

Conditions:
Tuberous sclerosis 1 (TSC1). Identifiers: Orphanet 805, MedGen C1854465, MONDO:0008612, OMIM 191100.

Submission:

Labcorp Genetics (formerly Invitae), Labcorp
Classification: Uncertain significance for Tuberous sclerosis 1. Last evaluated: 2021-06-05. Review status: criteria provided, single submitter. Criteria: Invitae Variant Classification Sherloc (09022015). Collection method: clinical testing. Allele origin: germline.
Comment: Algorithms developed to predict the effect of missense changes on protein structure and function (SIFT, PolyPhen-2, Align-GVGD) all suggest that this variant is likely to be tolerated, but these predictions have not been confirmed by published functional studies and their clinical significance is uncertain. In summary, the available evidence is currently insufficient to determine the role of this variant in disease. Therefore, it has been classified as a Variant of Uncertain Significance. This variant has not been reported in the literature in individuals with TSC1-related conditions. This variant is not present in population databases (ExAC no frequency). This sequence change replaces alanine with valine at codon 12 of the TSC1 protein (p.Ala12Val). The alanine residue is weakly conserved and there is a small physicochemical difference between alanine and valine.